The following is an entry in ClinVar:

NM_003791.4(MBTPS1):c.841A>G (p.Asn281Asp)

Gene: MBTPS1 (membrane bound transcription factor peptidase, site 1; minus strand). Cytogenetic location: 16q23.3.
Variant type: single nucleotide variant.
Coding change: c.841A>G on transcript NM_003791.4 (MANE Select); coding-DNA position 841, A replaced by G.
Protein change: p.Asn281Asp; replaces asparagine 281 with aspartic acid.
Molecular consequence: missense variant.
Genome position (GRCh38, 1-based): chr16:84,093,193, T>C on the plus strand (A>G on the coding strand, the complement: MBTPS1 is on the minus strand). VCF-style: chr16-84093193-T-C. GRCh37 (hg19) VCF-style: chr16-84126798-T-C.
Other names: short protein forms N281D.
Identifiers: ClinVar variation 2134522 (VCV002134522.4), dbSNP rs143291850, ClinGen allele CA285480152.

ClinVar aggregate classification (germline): Uncertain significance (1 of 4 stars; one submission).

gnomAD v4.1: 9 of 1,608,224 alleles (0.00056%); highest among the groups gnomAD compares: African/African-American, 0.012%; no homozygotes.

Submission:

Labcorp Genetics (formerly Invitae), Labcorp
Classification: Uncertain significance. Last evaluated: 2024-05-21. Review status: criteria provided, single submitter. Criteria: Invitae Variant Classification Sherloc (09022015). Collection method: clinical testing. Allele origin: germline.
Comment: This sequence change replaces asparagine, which is neutral and polar, with aspartic acid, which is acidic and polar, at codon 281 of the MBTPS1 protein (p.Asn281Asp). This variant is present in population databases (no rsID available, gnomAD 0.01%). This variant has not been reported in the literature in individuals affected with MBTPS1-related conditions. ClinVar contains an entry for this variant (Variation ID: 2134522). An algorithm developed to predict the effect of missense changes on protein structure and function (PolyPhen-2) suggests that this variant is likely to be tolerated. In summary, the available evidence is currently insufficient to determine the role of this variant in disease. Therefore, it has been classified as a Variant of Uncertain Significance.